The following is an entry in ClinVar:

NM_006005.3(WFS1):c.*683C>T

Gene: WFS1 (wolframin ER transmembrane glycoprotein; plus strand). Cytogenetic location: 4p16.1.
Variant type: single nucleotide variant.
Coding change: c.*683C>T on transcript NM_006005.3 (MANE Select); 683 bases downstream of the stop codon, C replaced by T.
Molecular consequence: 3 prime UTR variant.
Genome position (GRCh38, 1-based): chr4:6,303,151, C>T. VCF-style: chr4-6303151-C-T. GRCh37 (hg19) VCF-style: chr4-6304878-C-T.
Other names: c.*683C>T (NM_001145853.1).
Identifiers: ClinVar variation 349359 (VCV000349359.7), dbSNP rs3200, ClinGen allele CA10618121.

ClinVar aggregate classification (germline): Benign. Review status: criteria provided, multiple submitters, no conflicts (2 of 4 stars). 4 submissions from 3 submitters: Benign (4). Last evaluated 2018-01-13.

Conditions:
WFS1-Related Spectrum Disorders.
Wolfram syndrome 1 (WFS1). Identifiers: Orphanet 3463, MedGen C4551693, MONDO:0009101, OMIM 222300.
Autosomal dominant nonsyndromic hearing loss 6 (LFSNHL). Also called: DEAFNESS, AUTOSOMAL DOMINANT 6; DEAFNESS, AUTOSOMAL DOMINANT 14; DEAFNESS, AUTOSOMAL DOMINANT 38; Autosomal dominant nonsyndromic deafness 6; DIDMOAD (Diabetes Insipidus, Diabetes Mellitus, Optic Atrophy, and Deafness). Identifiers: Orphanet 90635, MedGen C1833021, MONDO:0010963, OMIM 600965.

Allele frequency attached by ClinVar (database versions not stated): gnomAD exomes 0.55463; gnomAD 0.57543 and 0.58405; TOPMed 0.60241; 1000 Genomes Project 0.64756.
gnomAD v4.1: 89,123 of 152,852 alleles (58%); highest among the groups gnomAD compares: East Asian, 93%; 26,820 homozygotes.

Submissions (4):

Illumina Laboratory Services, Illumina
Classification: Benign for WFS1-Related Spectrum Disorders. Last evaluated: 2018-01-13. Review status: criteria provided, single submitter. Criteria: ICSL Variant Classification Criteria 13 December 2019. Collection method: clinical testing. Allele origin: germline.
Comment: This variant was observed in the ICSL laboratory as part of a predisposition screen in an ostensibly healthy population. It had not been previously curated by ICSL or reported in the Human Gene Mutation Database (HGMD: prior to June 1st, 2018), and was therefore a candidate for classification through an automated scoring system. Utilizing variant allele frequency, disease prevalence and penetrance estimates, and inheritance mode, an automated score was calculated to assess if this variant is too frequent to cause the disease. Based on the score and internal cut-off values, a variant classified as benign is not then subjected to further curation. The score for this variant resulted in a classification of benign for this disease.

Illumina Laboratory Services, Illumina
Classification: Benign for Autosomal dominant nonsyndromic hearing loss 6. Last evaluated: 2018-01-13. Review status: criteria provided, single submitter. Criteria: ICSL Variant Classification Criteria 13 December 2019. Collection method: clinical testing. Allele origin: germline.
Comment: the same text as in the submission from Illumina Laboratory Services, Illumina above.

Breakthrough Genomics
Classification: Benign. Review status: criteria provided, single submitter. Criteria: ACMG Guidelines, 2015. Collection method: not provided. Allele origin: germline. Inheritance: Autosomal recessive inheritance. Affected: yes.

Clinical Genomics, Uppaluri K&H Personalized Medicine Clinic
Classification: Benign for Wolfram syndrome 1. Review status: criteria provided, single submitter. Criteria: K & H Uppaluri Personalized Medicine Clinic Variant Classification & Assertion Criteria_Updated V.1. Collection method: research. Allele origin: unknown. Inheritance: Autosomal recessive inheritance.
Comment: Potent mutations in WFS1 gene are associated with Wolfram's syndrome, an autosomal recessive condition, which cause diabetes mellitus, diabetes insipidus, deafness and optic atrophy. However no sufficient evidence is found to ascertain the role of this particular variant rs3200 in Wolfram's syndrome yet.

Literature cited by the submitters: PubMed 20738327 (cited by Clinical Genomics, Uppaluri K&H Personalized Medicine Clinic); PubMed 33879153 (cited by Clinical Genomics, Uppaluri K&H Personalized Medicine Clinic); PubMed 12955714 (cited by Clinical Genomics, Uppaluri K&H Personalized Medicine Clinic); PubMed 18060660 (cited by Clinical Genomics, Uppaluri K&H Personalized Medicine Clinic); PubMed 20301750 (cited by Clinical Genomics, Uppaluri K&H Personalized Medicine Clinic); PubMed 17603484 (cited by Clinical Genomics, Uppaluri K&H Personalized Medicine Clinic).